The following is an entry in ClinVar:

NM_000112.4(SLC26A2):c.*938T>C

Gene: SLC26A2 (solute carrier family 26 member 2; plus strand). Cytogenetic location: 5q32.
Variant type: single nucleotide variant.
Coding change: c.*938T>C on transcript NM_000112.4 (MANE Select); 938 bases downstream of the stop codon, T replaced by C.
Molecular consequence: 3 prime UTR variant.
Genome position (GRCh38, 1-based): chr5:149,982,751, T>C. VCF-style: chr5-149982751-T-C. GRCh37 (hg19) VCF-style: chr5-149362314-T-C.
Identifiers: ClinVar variation 352044 (VCV000352044.5), dbSNP rs150188068, ClinGen allele CA10619676.

ClinVar aggregate classification (germline): Benign/Likely benign. Review status: criteria provided, single submitter (1 of 4 stars). 5 submissions from 1 submitter: Benign (3); Likely benign (2). Last evaluated 2018-01-13.

Conditions:
Sulfate transporter-related osteochondrodysplasia. Also called: DTDST-related dysplasias. Identifiers: MedGen CN120497. Disease mechanism: loss of function.
Achondrogenesis, type IB (ACG1B). Also called: Achondrogenesis Type 1B. Identifiers: Orphanet 932, Orphanet 93298, MedGen C0265274, MONDO:0010966, OMIM 600972.
Multiple epiphyseal dysplasia type 4 (EDM4). Also called: MULTIPLE EPIPHYSEAL DYSPLASIA WITH BILAYERED PATELLAE; MULTIPLE EPIPHYSEAL DYSPLASIA WITH CLUBFOOT; MULTIPLE EPIPHYSEAL DYSPLASIA, AUTOSOMAL RECESSIVE; SLC26A2-Related Multiple Epiphyseal Dysplasia; Multiple Epiphyseal Dysplasia, Recessive. Identifiers: Orphanet 93307, MedGen C1847593, MONDO:0009189, OMIM 226900.
Atelosteogenesis type II (AO2). Also called: NEONATAL OSSEOUS DYSPLASIA I; Neonatal osseous dysplasia 1; SLC26A2-Related Atelosteogenesis. Identifiers: Orphanet 56304, MedGen C1850554, MONDO:0009727, OMIM 256050.
Diastrophic dysplasia (DTD). Also called: Diastrophic dwarfism. Identifiers: Orphanet 628, MedGen C0220726, MONDO:0009107, OMIM 222600.

Allele frequency attached by ClinVar (database versions not stated): gnomAD 0.00937 and 0.00983; 1000 Genomes Project 0.01078; TOPMed 0.01102; 1000 Genomes Project 30x 0.01140.

Submissions (5):

Illumina Laboratory Services, Illumina
Classification: Benign for Diastrophic dysplasia. Last evaluated: 2018-01-13. Review status: criteria provided, single submitter. Criteria: ICSL Variant Classification Criteria 13 December 2019. Collection method: clinical testing. Allele origin: germline.
Comment: This variant was observed in the ICSL laboratory as part of a predisposition screen in an ostensibly healthy population. It had not been previously curated by ICSL or reported in the Human Gene Mutation Database (HGMD: prior to June 1st, 2018), and was therefore a candidate for classification through an automated scoring system. Utilizing variant allele frequency, disease prevalence and penetrance estimates, and inheritance mode, an automated score was calculated to assess if this variant is too frequent to cause the disease. Based on the score and internal cut-off values, a variant classified as benign is not then subjected to further curation. The score for this variant resulted in a classification of benign for this disease.

Illumina Laboratory Services, Illumina
Classification: Likely benign for Osteochondrodysplasia. Last evaluated: 2018-01-13. Review status: criteria provided, single submitter. Criteria: ICSL Variant Classification Criteria 13 December 2019. Collection method: clinical testing. Allele origin: germline.
Comment: This variant was observed in the ICSL laboratory as part of a predisposition screen in an ostensibly healthy population. It had not been previously curated by ICSL or reported in the Human Gene Mutation Database (HGMD: prior to June 1st, 2018), and was therefore a candidate for classification through an automated scoring system. Utilizing variant allele frequency, disease prevalence and penetrance estimates, and inheritance mode, an automated score was calculated to assess if this variant is too frequent to cause the disease. Based on the score and internal cut-off values, a variant classified as likely benign is not then subjected to further curation. The score for this variant resulted in a classification of likely benign for this disease.

Illumina Laboratory Services, Illumina
Classification: Likely benign for Multiple epiphyseal dysplasia type 4. Last evaluated: 2018-01-13. Review status: criteria provided, single submitter. Criteria: ICSL Variant Classification Criteria 13 December 2019. Collection method: clinical testing. Allele origin: germline.
Comment: the same text as in the submission from Illumina Laboratory Services, Illumina above.

Illumina Laboratory Services, Illumina
Classification: Benign for Achondrogenesis, type IB. Last evaluated: 2018-01-13. Review status: criteria provided, single submitter. Criteria: ICSL Variant Classification Criteria 13 December 2019. Collection method: clinical testing. Allele origin: germline.
Comment: the same text as in the submission from Illumina Laboratory Services, Illumina above.

Illumina Laboratory Services, Illumina
Classification: Benign for Atelosteogenesis type II. Last evaluated: 2018-01-13. Review status: criteria provided, single submitter. Criteria: ICSL Variant Classification Criteria 13 December 2019. Collection method: clinical testing. Allele origin: germline.
Comment: the same text as in the submission from Illumina Laboratory Services, Illumina above.